The following is an entry in ClinVar:

ClinVar aggregate classification (germline): Uncertain significance (1 of 4 stars; one submission).

Allele frequency attached by ClinVar (database versions not stated): gnomAD exomes 0.00001.
gnomAD v4.1: 3 of 1,613,218 alleles (0.00019%); highest among the groups gnomAD compares: South Asian, 0.0033%; no homozygotes.

Submission:

Labcorp Genetics (formerly Invitae), Labcorp
Classification: Uncertain significance. Last evaluated: 2024-12-16. Review status: criteria provided, single submitter. Criteria: Invitae Variant Classification Sherloc (09022015). Collection method: clinical testing. Allele origin: germline.
Comment: This sequence change replaces valine, which is neutral and non-polar, with methionine, which is neutral and non-polar, at codon 174 of the USH2A protein (p.Val174Met). This variant is present in population databases (no rsID available, gnomAD 0.006%). This variant has not been reported in the literature in individuals affected with USH2A-related conditions. ClinVar contains an entry for this variant (Variation ID: 1388417). Invitae Evidence Modeling of protein sequence and biophysical properties (such as structural, functional, and spatial information, amino acid conservation, physicochemical variation, residue mobility, and thermodynamic stability) has been performed for this missense variant. However, the output from this modeling did not meet the statistical confidence thresholds required to predict the impact of this variant on USH2A protein function. In summary, the available evidence is currently insufficient to determine the role of this variant in disease. Therefore, it has been classified as a Variant of Uncertain Significance.

NM_206933.4(USH2A):c.520G>A (p.Val174Met)

Gene: USH2A (usherin; minus strand). Cytogenetic location: 1q41.
Variant type: single nucleotide variant.
Coding change: c.520G>A on transcript NM_206933.4 (MANE Select); coding-DNA position 520, G replaced by A.
Protein change: p.Val174Met; replaces valine 174 with methionine.
Molecular consequence: missense variant.
Genome position (GRCh38, 1-based): chr1:216,418,645, C>T on the plus strand (G>A on the coding strand, the complement: USH2A is on the minus strand). VCF-style: chr1-216418645-C-T. GRCh37 (hg19) VCF-style: chr1-216591987-C-T.
Other names: c.520G>A, p.Val174Met (NM_007123.6); short protein forms V174M.
Identifiers: ClinVar variation 1388417 (VCV001388417.7), dbSNP rs1414123599, ClinGen allele CA344902719.